The following is an entry in ClinVar:

NM_016284.5(CNOT1):c.158C>T (p.Ser53Leu)

Gene: CNOT1 (CCR4-NOT transcription complex subunit 1; minus strand). Cytogenetic location: 16q21.
Variant type: single nucleotide variant.
Coding change: c.158C>T on transcript NM_016284.5 (MANE Select); coding-DNA position 158, C replaced by T.
Protein change: p.Ser53Leu; replaces serine 53 with leucine.
Molecular consequence: missense variant. On other transcripts: non-coding transcript variant (1).
Genome position (GRCh38, 1-based): chr16:58,588,851, G>A on the plus strand (C>T on the coding strand, the complement: CNOT1 is on the minus strand). VCF-style: chr16-58588851-G-A. GRCh37 (hg19) VCF-style: chr16-58622755-G-A.
Other names: c.158C>T, p.Ser53Leu (NM_001265612.2, NM_206999.3); short protein forms S53L.
Identifiers: ClinVar variation 1676436 (VCV001676436.3), dbSNP rs2151988644, ClinGen allele CA396158068.
Genomic context (GRCh38, chr16:58,588,851, plus strand): 5'-CCAAATACCTGATGGAAATCTTTGCCACTGCTTTTACCATCGCCACTGAAATCCACATGC[G>A]AAAATAGGCAGCGTAATAAATGCCTGTCTGCCTCAGGACCGTGCCGATTCACAATCTAAA-3'
Protein context (NP_057368.3, residues 43-63): ADRHLLRCLF[Ser53Leu]HVDFSGDGKS

ClinVar aggregate classification (germline): Uncertain significance (1 of 4 stars; one submission).

Submission:

Greenwood Genetic Center Diagnostic Laboratories, Greenwood Genetic Center
Classification: Uncertain significance. Last evaluated: 2022-02-09. Review status: criteria provided, single submitter. Criteria: ACMG Guidelines, 2015. Collection method: clinical testing. Allele origin: germline. Affected: yes.
Comment: PM2, PP2, PP3